The following is an entry in ClinVar:

ClinVar aggregate classification (germline): Pathogenic/Likely pathogenic. Review status: criteria provided, multiple submitters, no conflicts (2 of 4 stars). 6 submissions from 6 submitters: Pathogenic (4); Likely pathogenic (2). Last evaluated 2025-03-24.

Conditions:
Hereditary nonpolyposis colon cancer (HNPCC). Also called: Hereditary nonpolyposis colorectal cancer; Familial nonpolyposis colon cancer; Hereditary Nonpolyposis Colorectal Cancer Syndrome. Identifiers: Orphanet 443909, MedGen C1333990, MONDO:0018630. Disease mechanism: loss of function.
Hereditary cancer-predisposing syndrome. Also called: Hereditary Cancer Syndrome; Tumor predisposition; Neoplastic Syndromes, Hereditary; Hereditary neoplastic syndrome. Identifiers: Orphanet 140162, MedGen C0027672, MeSH D009386, MONDO:0015356.
Lynch syndrome 4 (LYNCH4). Also called: Colorectal cancer, hereditary nonpolyposis, type 4; Hereditary non-polyposis colorectal cancer, type 4. Identifiers: Orphanet 144, MedGen C1838333, MONDO:0013699, OMIM 614337. Disease mechanism: loss of function.

Submissions (6):

Women's Health and Genetics/Laboratory Corporation of America, LabCorp
Classification: Pathogenic for Hereditary nonpolyposis colon cancer. Last evaluated: 2025-03-24. Review status: criteria provided, single submitter. Criteria: LabCorp Variant Classification Summary - May 2015. Collection method: clinical testing. Allele origin: germline.
Comment: Variant summary: PMS2 c.1938delG (p.Lys647SerfsX18) results in a premature termination codon, predicted to cause a truncation of the encoded protein or absence of the protein due to nonsense mediated decay, which are commonly known mechanisms for disease. The variant was absent in 250882 control chromosomes. To our knowledge, no occurrence of c.1938delG in individuals affected with Hereditary Nonpolyposis Colorectal Cancer and no experimental evidence demonstrating its impact on protein function have been reported. ClinVar contains an entry for this variant (Variation ID: 1330001). Based on the evidence outlined above, the variant was classified as pathogenic.

Hereditary Cancer Laboratory, Hospital Universitario 12 de Octubre
Classification: Pathogenic for Hereditary cancer-predisposing syndrome. Last evaluated: 2025-02-02. Review status: criteria provided, single submitter. Criteria: ACMG Guidelines, 2015. Collection method: clinical testing. Allele origin: germline.
Comment: PVS1 + PM2 + PP5

Myriad Genetics, Inc.
Classification: Pathogenic for Lynch syndrome 4. Last evaluated: 2023-09-21. Review status: criteria provided, single submitter. Criteria: Myriad Autosomal Dominant, Autosomal Recessive and X-Linked Classification Criteria (2023). Collection method: clinical testing. Allele origin: unknown.
Comment: This variant is considered pathogenic. This variant creates a frameshift predicted to result in premature protein truncation.

Baylor Genetics
Classification: Likely pathogenic for Lynch syndrome 4. Last evaluated: 2023-03-30. Review status: criteria provided, single submitter. Criteria: ACMG Guidelines, 2015. Collection method: clinical testing. Allele origin: unknown.

Quest Diagnostics Nichols Institute San Juan Capistrano
Classification: Likely pathogenic. Last evaluated: 2020-09-28. Review status: criteria provided, single submitter. Criteria: Quest Diagnostics criteria. Collection method: clinical testing. Allele origin: unknown.
Comment: This frameshift variant alters the translational reading frame of the PMS2 mRNA and is predicted to cause the premature termination of PMS2 protein synthesis. To the best of our knowledge, the variant has not been reported in the published literature. Based on the available information, we predict that the variant is likely pathogenic.

Ambry Genetics
Classification: Pathogenic for Hereditary cancer-predisposing syndrome. Last evaluated: 2020-03-08. Review status: criteria provided, single submitter. Criteria: Ambry Variant Classification Scheme 2023. Collection method: clinical testing. Allele origin: germline.
Comment: The c.1938delG pathogenic mutation, located in coding exon 11 of the PMS2 gene, results from a deletion of one nucleotide at nucleotide position 1938, causing a translational frameshift with a predicted alternate stop codon (p.K647Sfs*18). This alteration is expected to result in loss of function by premature protein truncation or nonsense-mediated mRNA decay. As such, this alteration is interpreted as a disease-causing mutation.

NM_000535.7(PMS2):c.1938del (p.Lys647fs)

Gene: PMS2 (PMS1 homolog 2, mismatch repair system component; minus strand). Cytogenetic location: 7p22.1.
Variant type: Deletion.
Coding change: c.1938del on transcript NM_000535.7 (MANE Select); coding-DNA position 1938, one base deleted (G; older notation c.1938delG).
Protein change: p.Lys647fs; shifts the reading frame from lysine 647.
Molecular consequence: frameshift variant. On other transcripts: non-coding transcript variant (1).
Genome position (GRCh38, 1-based): chr7:5,986,827, C deleted on the plus strand (G on the coding strand, the reverse complement: PMS2 is on the minus strand); the first of 2 consecutive C bases (chr7:5,986,827-5,986,828); deleting either gives the same sequence. VCF-style (leftmost placement, unchanged base first): chr7-5986826-TC-T. GRCh37 (hg19) VCF-style: chr7-6026457-TC-T.
Other names: c.1533del, p.Lys512fs (NM_001322003.2, NM_001322004.2, NM_001322005.2 and 1 more transcripts); c.1782del, p.Lys595fs (NM_001322006.2); c.1620del, p.Lys541fs (NM_001322007.2, NM_001322008.2); c.1377del, p.Lys460fs (NM_001322010.2); c.1005del, p.Lys336fs (NM_001322011.2, NM_001322012.2); c.1365del, p.Lys456fs (NM_001322013.2); c.1938del, p.Lys647fs (NM_001322014.2); c.1629del, p.Lys544fs (NM_001322015.2); and 1 more; short protein forms K336fs, K456fs, K460fs, K512fs, K541fs, K544fs, K595fs, K647fs.
Identifiers: ClinVar variation 1330001 (VCV001330001.7), dbSNP rs2128720948, ClinGen allele CA2573052897.